The following is an entry in ClinVar:

ClinVar aggregate classification (germline): Likely benign. Review status: criteria provided, multiple submitters, no conflicts (2 of 4 stars). 2 submissions from 2 submitters: Likely benign (2). Last evaluated 2024-12-01.

Allele frequency attached by ClinVar (database versions not stated): ESP Exome Variant Server 0.00008; gnomAD 0.00011; 1000 Genomes Project 30x 0.00031.

Submissions (2):

CeGaT Center for Human Genetics Tuebingen
Classification: Likely benign. Last evaluated: 2024-12-01. Review status: criteria provided, single submitter. Criteria: CeGaT Center For Human Genetics Tuebingen Variant Classification Criteria Version 2. Collection method: clinical testing. Allele origin: germline. Affected: yes. Observed: 4 variant alleles.
Comment: ZNF142: BP4, BP7

Blueprint Genetics
Classification: Likely benign. Last evaluated: 2024-06-21. Review status: criteria provided, single submitter. Criteria: ACMG Guidelines, 2015. Collection method: clinical testing. Allele origin: germline.

NM_001379659.1(ZNF142):c.3579G>A (p.Thr1193=)

Gene: ZNF142 (zinc finger protein 142; minus strand). Cytogenetic location: 2q35.
Variant type: single nucleotide variant.
Coding change: c.3579G>A on transcript NM_001379659.1 (MANE Select); coding-DNA position 3579, G replaced by A.
Protein change: p.Thr1193=; no amino-acid change (threonine 1193 retained).
Molecular consequence: synonymous variant.
Genome position (GRCh38, 1-based): chr2:218,643,537, C>T on the plus strand (G>A on the coding strand, the complement: ZNF142 is on the minus strand). VCF-style: chr2-218643537-C-T. GRCh37 (hg19) VCF-style: chr2-219508260-C-T.
Other names: c.2979G>A, p.Thr993= (NM_001105537.5, NM_001366291.3, NM_001379662.1); c.2490G>A, p.Thr830= (NM_001366287.3, NM_001366288.3, NM_001366289.3); c.3579G>A, p.Thr1193= (NM_001366290.3, NM_001379660.1, NM_001379661.1).
Identifiers: ClinVar variation 2651890 (VCV002651890.25), dbSNP rs369246607, ClinGen allele CA2108969.